The following is an entry in ClinVar:

NM_000038.6(APC):c.4001C>T (p.Ser1334Phe)

Gene: APC (APC regulator of Wnt signaling pathway; plus strand). Cytogenetic location: 5q22.2.
Variant type: single nucleotide variant.
Coding change: c.4001C>T on transcript NM_000038.6 (MANE Select); coding-DNA position 4001, C replaced by T.
Protein change: p.Ser1334Phe; replaces serine 1334 with phenylalanine.
Molecular consequence: missense variant. On other transcripts: non-coding transcript variant (2).
Genome position (GRCh38, 1-based): chr5:112,839,595, C>T. VCF-style: chr5-112839595-C-T. GRCh37 (hg19) VCF-style: chr5-112175292-C-T.
Other names: c.4001C>T, p.Ser1334Phe (NM_001127510.3, NM_001354895.2, NM_001407450.1); c.3947C>T, p.Ser1316Phe (NM_001127511.3); c.4055C>T, p.Ser1352Phe (NM_001354896.2, NM_001407447.1, NM_001407448.1 and 1 more transcripts); c.4031C>T, p.Ser1344Phe (NM_001354897.2); c.3926C>T, p.Ser1309Phe (NM_001354898.2); c.3917C>T, p.Ser1306Phe (NM_001354899.2); c.3878C>T, p.Ser1293Phe (NM_001354900.2); c.3824C>T, p.Ser1275Phe (NM_001354901.2, NM_001407453.1); and 12 more; short protein forms S1051F, S1174F, S1205F, S1243F, S1251F, S1324F, S1352F, S1293F.
Identifiers: ClinVar variation 2794236 (VCV002794236.4), dbSNP rs764056593, ClinGen allele CA16030107.
Genomic context (GRCh38, chr5:112,839,595, plus strand): 5'-GGTCAGCTGAAGATCCTGTGAGCGAAGTTCCAGCAGTGTCACAGCACCCTAGAACCAAAT[C>T]CAGCAGACTGCAGGGTTCTAGTTTATCTTCAGAATCAGCCAGGCACAAAGCTGTTGAATT-3'
Protein context (NP_000029.2, residues 1324-1344): PAVSQHPRTK[Ser1334Phe]SRLQGSSLSS

ClinVar aggregate classification (germline): Uncertain significance. Review status: criteria provided, multiple submitters, no conflicts (2 of 4 stars). 2 submissions from 2 submitters: Uncertain significance (2). Last evaluated 2024-10-25.

Conditions:
Hereditary cancer-predisposing syndrome. Also called: Hereditary Cancer Syndrome; Neoplastic Syndromes, Hereditary; Tumor predisposition; Hereditary neoplastic syndrome. Identifiers: Orphanet 140162, MedGen C0027672, MeSH D009386, MONDO:0015356.
Familial adenomatous polyposis 1 (FAP1). Also called: FAMILIAL ADENOMATOUS POLYPOSIS 1, ATTENUATED; POLYPOSIS, ADENOMATOUS INTESTINAL. Identifiers: MedGen C2713442, MONDO:0021056, OMIM 175100. Disease mechanism: loss of function.

Submissions (2):

Ambry Genetics
Classification: Uncertain significance for Hereditary cancer-predisposing syndrome. Last evaluated: 2024-10-25. Review status: criteria provided, single submitter. Criteria: Ambry Variant Classification Scheme 2023. Collection method: clinical testing. Allele origin: germline.
Comment: The p.S1334F variant (also known as c.4001C>T), located in coding exon 15 of the APC gene, results from a C to T substitution at nucleotide position 4001. The serine at codon 1334 is replaced by phenylalanine, an amino acid with highly dissimilar properties. This amino acid position is not well conserved in available vertebrate species. In addition, in silico predictors for this gene do not accurately predict pathogenicity. Missense alterations in APC are not a common cause of disease (Spier I et al. Genet Med. 2024 Feb;26(2):100992). Based on the available evidence, the clinical significance of this variant remains unclear.

Labcorp Genetics (formerly Invitae), Labcorp
Classification: Uncertain significance for Familial adenomatous polyposis 1. Last evaluated: 2024-06-24. Review status: criteria provided, single submitter. Criteria: Invitae Variant Classification Sherloc (09022015). Collection method: clinical testing. Allele origin: germline.
Comment: This sequence change replaces serine, which is neutral and polar, with phenylalanine, which is neutral and non-polar, at codon 1334 of the APC protein (p.Ser1334Phe). This variant is not present in population databases (gnomAD no frequency). This variant has not been reported in the literature in individuals affected with APC-related conditions. Advanced modeling of protein sequence and biophysical properties (such as structural, functional, and spatial information, amino acid conservation, physicochemical variation, residue mobility, and thermodynamic stability) performed at Invitae indicates that this missense variant is not expected to disrupt APC protein function with a negative predictive value of 95%. In summary, the available evidence is currently insufficient to determine the role of this variant in disease. Therefore, it has been classified as a Variant of Uncertain Significance.